The following is an entry in ClinVar:

NM_000875.5(IGF1R):c.772G>A (p.Gly258Ser)

Gene: IGF1R (insulin like growth factor 1 receptor; plus strand). Cytogenetic location: 15q26.3.
Variant type: single nucleotide variant.
Coding change: c.772G>A on transcript NM_000875.5 (MANE Select); coding-DNA position 772, G replaced by A.
Protein change: p.Gly258Ser; replaces glycine 258 with serine.
Molecular consequence: missense variant.
Genome position (GRCh38, 1-based): chr15:98,891,456, G>A. VCF-style: chr15-98891456-G-A. GRCh37 (hg19) VCF-style: chr15-99434685-G-A.
Other names: c.772G>A, p.Gly258Ser (NM_001291858.2); c.772G>A (NM_000875.4, NM_000875.3); short protein forms G258S.
Identifiers: ClinVar variation 2957832 (VCV002957832.9), dbSNP rs543792941, ClinGen allele CA7751897.

ClinVar aggregate classification (germline): Conflicting classifications of pathogenicity. Review status: criteria provided, conflicting classifications (1 of 4 stars). 5 submissions from 5 submitters: Uncertain significance (1); Likely benign (4). Last evaluated 2025-08-29.

Conditions:
IGF1R-related disorder. Also called: IGF1R-related condition.

Allele frequency attached by ClinVar (database versions not stated): gnomAD 0.00003; TOPMed 0.00003; gnomAD exomes 0.00015; 1000 Genomes Project 30x 0.00016; 1000 Genomes Project 0.00020; ExAC 0.00032.
gnomAD v4.1: 229 of 1,614,026 alleles (0.014%); highest among the groups gnomAD compares: South Asian, 0.22%; 2 homozygotes.

Submissions (5):

Women's Health and Genetics/Laboratory Corporation of America, LabCorp
Classification: Likely benign. Last evaluated: 2025-08-29. Review status: criteria provided, single submitter. Criteria: LabCorp Variant Classification Summary - May 2015. Collection method: clinical testing. Allele origin: germline.
Comment: Variant summary: IGF1R c.772G>A (p.Gly258Ser) results in a non-conservative amino acid change located in the Furin-like cysteine rich region (IPR006211) of the encoded protein sequence. Algorithms developed to predict the effect of missense changes on protein structure and function all suggest that this variant is likely to be disruptive. The variant allele was found at a frequency of 0.00031 in 251206 control chromosomes, predominantly at a frequency of 0.0024 within the South Asian subpopulation in the gnomAD database, including 1 homozygotes. To our knowledge, no occurrence of c.772G>A in individuals affected with IGF1R-related conditions and no experimental evidence demonstrating its impact on protein function have been reported. ClinVar contains an entry for this variant (Variation ID: 2957832). Based on the evidence outlined above, the variant was classified as likely benign.

Labcorp Genetics (formerly Invitae), Labcorp
Classification: Likely benign. Last evaluated: 2025-07-14. Review status: criteria provided, single submitter. Criteria: Invitae Variant Classification Sherloc (09022015). Collection method: clinical testing. Allele origin: germline.

PreventionGenetics, part of Exact Sciences
Classification: Likely benign for IGF1R-related condition. Last evaluated: 2025-03-11. Review status: criteria provided, single submitter. Criteria: ACMG Guidelines, 2015. Collection method: clinical testing. Allele origin: germline.
Comment: This variant is classified as likely benign based on ACMG/AMP sequence variant interpretation guidelines (Richards et al. 2015 PMID: 25741868, with internal and published modifications).

GeneDx
Classification: Uncertain significance. Last evaluated: 2025-03-10. Review status: criteria provided, single submitter. Criteria: GeneDx Variant Classification Process June 2021. Collection method: clinical testing. Allele origin: germline. Affected: yes.
Comment: In silico analysis supports that this missense variant has a deleterious effect on protein structure/function; Has not been previously published as pathogenic or benign to our knowledge

Blueprint Genetics
Classification: Likely benign. Last evaluated: 2024-09-20. Review status: criteria provided, single submitter. Criteria: ACMG Guidelines, 2015. Collection method: clinical testing. Allele origin: germline.